The following is an entry in ClinVar:

NM_001370466.1(NOD2):c.-8-2168A>G

Gene: NOD2 (nucleotide binding oligomerization domain containing 2; plus strand). Cytogenetic location: 16q12.1.
Variant type: single nucleotide variant.
Coding change: c.-8-2168A>G on transcript NM_001370466.1 (MANE Select); 2168 bases into the intron before 8 bases upstream of the start codon, A replaced by G.
Molecular consequence: intron variant.
Genome position (GRCh38, 1-based): chr16:50,697,320, A>G. VCF-style: chr16-50697320-A-G. GRCh37 (hg19) VCF-style: chr16-50731231-A-G.
Other names: c.73+4A>G (NM_022162.3).
Identifiers: ClinVar variation 4794882 (VCV004794882.1).
Genomic context (GRCh38, chr16:50,697,320, plus strand): 5'-GTTCAGCCTCTCACGATGAGGAGGAAAGAGCAAGTGTCCTCCTCGGACATTCTCCGGGTA[A>G]GAGGAGCAGGCATTGTCCCGTCCCAGCTTGATCCTCAGCCTTCTTTCATCCTTGGCCGCG-3'

ClinVar aggregate classification (germline): Uncertain significance (1 of 4 stars; one submission).

Conditions:
Blau syndrome (BLAUS). Also called: GRANULOMATOSIS, FAMILIAL JUVENILE SYSTEMIC; GRANULOMATOSIS, FAMILIAL, BLAU TYPE; GRANULOMATOUS INFLAMMATORY ARTHRITIS, DERMATITIS, AND UVEITIS, FAMILIAL; JABS SYNDROME; ARTHROCUTANEOUVEAL GRANULOMATOSIS. Identifiers: Orphanet 90340, MedGen C5201146, MONDO:0008523, OMIM 186580.
Regional enteritis. Also called: Enteritis, Granulomatous. Identifiers: MedGen C0678202, MeSH D003424.

gnomAD v4.1: 4 of 1,555,232 alleles (0.00026%); highest among the groups gnomAD compares: Non-Finnish European, 0.00035%; no homozygotes.

Submission:

Labcorp Genetics (formerly Invitae), Labcorp
Classification: Uncertain significance for Regional enteritis; Blau syndrome. Last evaluated: 2025-03-20. Review status: criteria provided, single submitter. Criteria: Invitae Variant Classification Sherloc (09022015). Collection method: clinical testing. Allele origin: germline.
Comment: This sequence change falls in intron 1 of the NOD2 gene. It does not directly change the encoded amino acid sequence of the NOD2 protein. It affects a nucleotide within the consensus splice site. This variant is not present in population databases (gnomAD no frequency). This variant has not been reported in the literature in individuals affected with NOD2-related conditions. Variants that disrupt the consensus splice site are a relatively common cause of aberrant splicing (PMID: 17576681, 9536098). Algorithms developed to predict the effect of sequence changes on RNA splicing suggest that this variant is not likely to affect RNA splicing. In summary, the available evidence is currently insufficient to determine the role of this variant in disease. Therefore, it has been classified as a Variant of Uncertain Significance.

Literature cited by the submitters: PubMed 17576681; PubMed 9536098.